The following is an entry in ClinVar:

NM_000260.4(MYO7A):c.4768A>G (p.Ile1590Val)

Gene: MYO7A (myosin VIIA; plus strand). Cytogenetic location: 11q13.5.
Variant type: single nucleotide variant.
Coding change: c.4768A>G on transcript NM_000260.4 (MANE Select); coding-DNA position 4768, A replaced by G.
Protein change: p.Ile1590Val; replaces isoleucine 1590 with valine.
Molecular consequence: missense variant.
Genome position (GRCh38, 1-based): chr11:77,199,734, A>G. VCF-style: chr11-77199734-A-G. GRCh37 (hg19) VCF-style: chr11-76910779-A-G.
Other names: c.4654A>G, p.Ile1552Val (NM_001127180.2); c.4621A>G, p.Ile1541Val (NM_001369365.1); short protein forms I1590V, I1541V, I1552V.
Identifiers: ClinVar variation 967114 (VCV000967114.8), dbSNP rs761363022, ClinGen allele CA6198538.

ClinVar aggregate classification (germline): Uncertain significance. Review status: criteria provided, multiple submitters, no conflicts (2 of 4 stars). 3 submissions from 3 submitters: Uncertain significance (2). 1 of the submissions does not count toward it. Last evaluated 2026-03-17.

Conditions:
Usher syndrome type 1B (USH1B). Also called: Usher syndrome type IB. Identifiers: MedGen C1848638, MONDO:0700087.

Allele frequency attached by ClinVar (database versions not stated): gnomAD exomes 0.00001 and 0.00004; TOPMed 0.00001; ExAC 0.00005.
gnomAD v4.1: 16 of 1,613,534 alleles (0.00099%); highest among the groups gnomAD compares: South Asian, 0.013%; no homozygotes.

Submissions (3):

Women's Health and Genetics/Laboratory Corporation of America, LabCorp
Classification: Uncertain significance. Last evaluated: 2026-03-17. Review status: criteria provided, single submitter. Criteria: LabCorp Variant Classification Summary - May 2015. Collection method: clinical testing. Allele origin: germline.
Comment: Variant summary: MYO7A c.4768A>G (p.Ile1590Val) results in a conservative amino acid change in the encoded protein sequence. Algorithms developed to predict the effect of missense changes on protein structure and function are either unavailable or do not agree on the potential impact of this missense change. The variant allele was found at a frequency of 4e-05 in 248280 control chromosomes. This frequency is not significantly higher than estimated for disease-causing variants in MYO7A, allowing no conclusion about variant significance. To our knowledge, no occurrence of c.4768A>G in individuals affected with MYO7A-related conditions and no experimental evidence demonstrating its impact on protein function have been reported. ClinVar contains an entry for this variant (Variation ID: 967114). Based on the evidence outlined above, the variant was classified as uncertain significance.

Labcorp Genetics (formerly Invitae), Labcorp
Classification: Uncertain significance. Last evaluated: 2022-08-24. Review status: criteria provided, single submitter. Criteria: Invitae Variant Classification Sherloc (09022015). Collection method: clinical testing. Allele origin: germline.
Comment: This sequence change replaces isoleucine, which is neutral and non-polar, with valine, which is neutral and non-polar, at codon 1590 of the MYO7A protein (p.Ile1590Val). This variant is present in population databases (rs761363022, gnomAD 0.03%). This variant has not been reported in the literature in individuals affected with MYO7A-related conditions. ClinVar contains an entry for this variant (Variation ID: 967114). Advanced modeling of protein sequence and biophysical properties (such as structural, functional, and spatial information, amino acid conservation, physicochemical variation, residue mobility, and thermodynamic stability) performed at Invitae indicates that this missense variant is not expected to disrupt MYO7A protein function. In summary, the available evidence is currently insufficient to determine the role of this variant in disease. Therefore, it has been classified as a Variant of Uncertain Significance.

Natera, Inc.
Classification: Uncertain significance for Usher syndrome type 1B. Last evaluated: 2020-04-17. Review status: no assertion criteria provided. Collection method: clinical testing. Allele origin: germline. Not counted in ClinVar's aggregate classification.